The following is an entry in ClinVar:

ClinVar aggregate classification (germline): Uncertain significance. Review status: criteria provided, multiple submitters, no conflicts (2 of 4 stars). 2 submissions from 2 submitters: Uncertain significance (2). Last evaluated 2022-04-15.

Conditions:
Pitt-Hopkins syndrome (PTHS). Also called: ENCEPHALOPATHY, SEVERE EPILEPTIC, WITH AUTONOMIC DYSFUNCTION; MENTAL RETARDATION, SYNDROMAL, WITH INTERMITTENT HYPERVENTILATION. Identifiers: Orphanet 2896, MedGen C1970431, MONDO:0012589, OMIM 610954.

Allele frequency attached by ClinVar (database versions not stated): ExAC 0.00001; gnomAD exomes 0.00001; TOPMed 0.00001.
gnomAD v4.1: 3 of 1,613,348 alleles (0.00019%); highest among the groups gnomAD compares: Admixed American, 0.0033%; no homozygotes.

Submissions (2):

GeneDx
Classification: Uncertain significance. Last evaluated: 2022-04-15. Review status: criteria provided, single submitter. Criteria: GeneDx Variant Classification Process June 2021. Collection method: clinical testing. Allele origin: germline. Affected: yes.
Comment: In silico analysis supports that this missense variant has a deleterious effect on protein structure/function; Has not been previously published as pathogenic or benign to our knowledge

Labcorp Genetics (formerly Invitae), Labcorp
Classification: Uncertain significance for Pitt-Hopkins syndrome. Last evaluated: 2021-07-15. Review status: criteria provided, single submitter. Criteria: Invitae Variant Classification Sherloc (09022015). Collection method: clinical testing. Allele origin: germline.
Comment: In summary, the available evidence is currently insufficient to determine the role of this variant in disease. Therefore, it has been classified as a Variant of Uncertain Significance. Algorithms developed to predict the effect of missense changes on protein structure and function (SIFT, PolyPhen-2, Align-GVGD) all suggest that this variant is likely to be tolerated, but these predictions have not been confirmed by published functional studies and their clinical significance is uncertain. This variant has not been reported in the literature in individuals with TCF4-related disease. This variant is present in population databases (rs779916094, ExAC 0.01%). This sequence change replaces proline with serine at codon 94 of the TCF4 protein (p.Pro94Ser). The proline residue is moderately conserved and there is a moderate physicochemical difference between proline and serine.

NM_001083962.2(TCF4):c.280C>T (p.Pro94Ser)

Genes: TCF4 (transcription factor 4; minus strand), TCF4-AS1 (TCF4 antisense RNA 1; plus strand). Cytogenetic location: 18q21.2.
Variant type: single nucleotide variant.
Coding change: c.280C>T on transcript NM_001083962.2 (MANE Select); coding-DNA position 280, C replaced by T.
Protein change: p.Pro94Ser; replaces proline 94 with serine.
Molecular consequence: missense variant.
Genome position (GRCh38, 1-based): chr18:55,461,043, G>A on the plus strand (C>T on the coding strand, the complement: TCF4 is on the minus strand). VCF-style: chr18-55461043-G-A. GRCh37 (hg19) VCF-style: chr18-53128274-G-A.
Other names: c.586C>T, p.Pro196Ser (NM_001243226.3); c.208C>T, p.Pro70Ser (NM_001243227.2, NM_001306207.1, NM_001348217.1 and 15 more transcripts); c.280C>T, p.Pro94Ser (NM_001243228.2, NM_001330604.3, NM_001369567.1 and 8 more transcripts); c.274C>T, p.Pro92Ser (NM_001243230.2); c.154C>T, p.Pro52Ser (NM_001243231.2, NM_001348211.2); short protein forms P94S, P196S, P52S, P70S, P92S.
Identifiers: ClinVar variation 575533 (VCV000575533.12), dbSNP rs779916094, ClinGen allele CA8970609.
Genomic context (GRCh38, chr18:55,461,043, plus strand): 5'-TTCAAAAAGTGTAAGTTAATTTAAAATGGGTCTTACTTTGTATTCTGGAATTGACAAAAG[G>A]TGGAGAGAGATTGTCATGTGACCCAAGGTCCCTGCTGGTCATGTGGTCATAGGGAGTCCC-3'
Protein context (NP_001077431.1, residues 84-104): DLGSHDNLSP[Pro94Ser]FVNSRIQSKT